The following is an entry in ClinVar:

ClinVar aggregate classification (germline): Conflicting classifications of pathogenicity. Review status: criteria provided, conflicting classifications (1 of 4 stars). 4 submissions from 4 submitters: Uncertain significance (3); Likely benign (1). Last evaluated 2025-06-23.

Conditions:
MEN1-related disorder. Also called: MEN1-related condition.
Hereditary cancer-predisposing syndrome. Also called: Tumor predisposition; Neoplastic Syndromes, Hereditary; Hereditary Cancer Syndrome; Hereditary neoplastic syndrome. Identifiers: Orphanet 140162, MedGen C0027672, MeSH D009386, MONDO:0015356.
Multiple endocrine neoplasia, type 1 (MEN1). Also called: MEN I; WERMER SYNDROME; Endocrine adenomatosis multiple; MEN 1; MEA I. Identifiers: Orphanet 652, MedGen C0025267, MeSH D018761, MONDO:0007540, OMIM 131100.

Allele frequency attached by ClinVar (database versions not stated): TOPMed below 0.00001.

Submissions (4):

Labcorp Genetics (formerly Invitae), Labcorp
Classification: Likely benign for Multiple endocrine neoplasia, type 1. Last evaluated: 2025-06-23. Review status: criteria provided, single submitter. Criteria: Invitae Variant Classification Sherloc (09022015). Collection method: clinical testing. Allele origin: germline.

Ambry Genetics
Classification: Uncertain significance for Hereditary cancer-predisposing syndrome. Last evaluated: 2024-12-31. Review status: criteria provided, single submitter. Criteria: Ambry Variant Classification Scheme 2023. Collection method: clinical testing. Allele origin: germline.

Baylor Genetics
Classification: Uncertain significance for Multiple Endocrine Neoplasia Type 1. Last evaluated: 2023-07-29. Review status: criteria provided, single submitter. Criteria: ACMG Guidelines, 2015. Collection method: clinical testing. Allele origin: unknown.

PreventionGenetics, part of Exact Sciences
Classification: Uncertain significance for MEN1-related condition. Last evaluated: 2023-01-04. Review status: criteria provided, single submitter. Criteria: ACMG Guidelines, 2015. Collection method: clinical testing. Allele origin: germline.
Comment: The MEN1 c.205C>T variant is predicted to result in the amino acid substitution p.Pro69Ser. To our knowledge, this variant has not been reported in the literature or in a large population database, indicating this variant is rare. At this time, the clinical significance of this variant is uncertain due to the absence of conclusive functional and genetic evidence.

NM_001370259.2(MEN1):c.205C>T (p.Pro69Ser)

Gene: MEN1 (menin 1; minus strand). Cytogenetic location: 11q13.1.
Variant type: single nucleotide variant.
Coding change: c.205C>T on transcript NM_001370259.2 (MANE Select); coding-DNA position 205, C replaced by T.
Protein change: p.Pro69Ser; replaces proline 69 with serine.
Molecular consequence: missense variant.
Genome position (GRCh38, 1-based): chr11:64,809,905, G>A on the plus strand (C>T on the coding strand, the complement: MEN1 is on the minus strand). VCF-style: chr11-64809905-G-A. GRCh37 (hg19) VCF-style: chr11-64577377-G-A.
Other names: c.205C>T, p.Pro69Ser (NM_000244.4, NM_001370251.2, NM_001370260.2 and 9 more transcripts); c.205C>T (NM_000244.3); short protein forms P69S.
Identifiers: ClinVar variation 403846 (VCV000403846.14), dbSNP rs1060499995, ClinGen allele CA16613486.
Genomic context (GRCh38, chr11:64,809,905, plus strand): 5'-GGGCGGCGATGATAGACAGGTCGGCCACGGGAAAGTAGGTGAGGCCGCCAGGCGGGTCGG[G>A]GGCGGGGCTGGGCTGGAAGGTGAGCTCGGGAACGTTGGTAGGGATGACGCGGTTGACAGC-3'
Protein context (NP_001357188.2, residues 59-79): PELTFQPSPA[Pro69Ser]DPPGGLTYFP